The following is an entry in ClinVar:

NC_000003.12:g.169482480G>A

Genes: MECOM (MDS1 and EVI1 complex locus; minus strand), TERC (telomerase RNA component; minus strand). Cytogenetic location: 3q26.2.
Variant type: single nucleotide variant.
Molecular consequence: intron variant (on NM_004991.4).
Genome position: GRCh38 VCF-style: chr3-169482480-G-A. GRCh37 (hg19) VCF-style: chr3-169200268-G-A.
Other names: c.-190+180856C>T (NM_001205194.2); c.38-100956C>T (NM_001366473.2, NM_001366466.2, NM_004991.4).
Identifiers: ClinVar variation 4984939 (VCV004984939.1).

ClinVar aggregate classification (germline): Likely benign (1 of 4 stars; one submission).

Conditions:
TERC-related disorder. Also called: TERC-related condition.

gnomAD v4.1: 114 of 152,008 alleles (0.075%); highest among the groups gnomAD compares: African/African-American, 0.26%; no homozygotes.

Submission:

PreventionGenetics, part of Exact Sciences
Classification: Likely benign for TERC-related condition. Last evaluated: 2025-12-18. Review status: criteria provided, single submitter. Criteria: ACMG Guidelines, 2015. Collection method: clinical testing. Allele origin: germline.
Comment: This variant is classified as likely benign based on ACMG/AMP sequence variant interpretation guidelines (Richards et al. 2015 PMID: 25741868, with internal and published modifications).